The following is an entry in ClinVar:

ClinVar aggregate classification (germline): Uncertain significance (1 of 4 stars; one submission).

Allele frequency attached by ClinVar (database versions not stated): gnomAD 0.00001; ExAC 0.00004.
gnomAD v4.1: 52 of 1,611,954 alleles (0.0032%); highest among the groups gnomAD compares: South Asian, 0.035%; no homozygotes.

Submission:

Labcorp Genetics (formerly Invitae), Labcorp
Classification: Uncertain significance. Last evaluated: 2025-11-23. Review status: criteria provided, single submitter. Criteria: Invitae Variant Classification Sherloc (09022015). Collection method: clinical testing. Allele origin: germline.
Comment: This sequence change replaces proline, which is neutral and non-polar, with leucine, which is neutral and non-polar, at codon 626 of the RFX6 protein (p.Pro626Leu). This variant is present in population databases (rs764889654, gnomAD 0.04%). This variant has not been reported in the literature in individuals affected with RFX6-related conditions. ClinVar contains an entry for this variant (Variation ID: 2200329). Invitae Evidence Modeling of protein sequence and biophysical properties (such as structural, functional, and spatial information, amino acid conservation, physicochemical variation, residue mobility, and thermodynamic stability) indicates that this missense variant is not expected to disrupt RFX6 protein function with a negative predictive value of 80%. In summary, the available evidence is currently insufficient to determine the role of this variant in disease. Therefore, it has been classified as a Variant of Uncertain Significance.

NM_173560.4(RFX6):c.1877C>T (p.Pro626Leu)

Genes: RFX6 (regulatory factor X6; plus strand), LOC126859771 (BRD4-independent group 4 enhancer GRCh37_chr6:117246147-117247346; plus strand). Cytogenetic location: 6q22.1.
Variant type: single nucleotide variant.
Coding change: c.1877C>T on transcript NM_173560.4 (MANE Select); coding-DNA position 1877, C replaced by T.
Protein change: p.Pro626Leu; replaces proline 626 with leucine.
Molecular consequence: missense variant.
Genome position (GRCh38, 1-based): chr6:116,925,651, C>T. VCF-style: chr6-116925651-C-T. GRCh37 (hg19) VCF-style: chr6-117246814-C-T.
Other names: short protein forms P626L.
Identifiers: ClinVar variation 2200329 (VCV002200329.4), dbSNP rs764889654, ClinGen allele CA3973420.